The following is an entry in ClinVar:

ClinVar aggregate classification (germline): Uncertain significance (1 of 4 stars; one submission).

gnomAD v4.1: 32 of 1,610,072 alleles (0.002%); highest among the groups gnomAD compares: South Asian, 0.034%; no homozygotes.

Submission:

GeneDx
Classification: Uncertain significance. Last evaluated: 2025-09-10. Review status: criteria provided, single submitter. Criteria: GeneDx Variant Classification Process June 2021. Collection method: clinical testing. Allele origin: germline. Affected: yes.
Comment: Has not been previously published as pathogenic or benign to our knowledge; Alters the Kozak sequence, which plays a major role in the initiation of translation

NM_001011.4(RPS7):c.-2C>T

Gene: RPS7 (ribosomal protein S7; plus strand). Cytogenetic location: 2p25.3.
Variant type: single nucleotide variant.
Coding change: c.-2C>T on transcript NM_001011.4 (MANE Select); 2 bases upstream of the start codon, C replaced by T.
Molecular consequence: 5 prime UTR variant.
Genome position (GRCh38, 1-based): chr2:3,575,608, C>T. VCF-style: chr2-3575608-C-T. GRCh37 (hg19) VCF-style: chr2-3623198-C-T.
Identifiers: ClinVar variation 4813385 (VCV004813385.1).